The following is an entry in ClinVar:

ClinVar aggregate classification (germline): Uncertain significance (1 of 4 stars; one submission).

Conditions:
Cardiovascular phenotype. Identifiers: MedGen CN230736.

Submission:

Ambry Genetics
Classification: Uncertain significance for Cardiovascular phenotype. Last evaluated: 2022-11-07. Review status: criteria provided, single submitter. Criteria: Ambry Variant Classification Scheme 2023. Collection method: clinical testing. Allele origin: germline.
Comment: The p.Y924N variant (also known as c.2770T>A), located in coding exon 16 of the EPHB4 gene, results from a T to A substitution at nucleotide position 2770. The tyrosine at codon 924 is replaced by asparagine, an amino acid with dissimilar properties. This amino acid position is conserved. In addition, this alteration is predicted to be deleterious by in silico analysis. Since supporting evidence is limited at this time, the clinical significance of this alteration remains unclear.

NM_004444.5(EPHB4):c.2770T>A (p.Tyr924Asn)

Gene: EPHB4 (EPH receptor B4; minus strand). Cytogenetic location: 7q22.1.
Variant type: single nucleotide variant.
Coding change: c.2770T>A on transcript NM_004444.5 (MANE Select); coding-DNA position 2770, T replaced by A.
Protein change: p.Tyr924Asn; replaces tyrosine 924 with asparagine.
Molecular consequence: missense variant.
Genome position (GRCh38, 1-based): chr7:100,805,230, A>T on the plus strand (T>A on the coding strand, the complement: EPHB4 is on the minus strand). VCF-style: chr7-100805230-A-T. GRCh37 (hg19) VCF-style: chr7-100402852-A-T.
Other names: short protein forms Y924N.
Identifiers: ClinVar variation 2450396 (VCV002450396.2), dbSNP rs2484996132, ClinGen allele CA368566558.
Genomic context (GRCh38, chr7:100,805,230, plus strand): 5'-CAGAGATCTGGCTGACCAGCTCGAAGGAGCCAAAGCCAGCGGCTGCGAAACTTTCTTCGT[A>T]TCTTCCCATTTTGATGGCCCGAAGCCACTCGCCCACAGAGCCAAAAGCTGAGTAGTGAGG-3'
Protein context (NP_004435.3, residues 914-934): EWLRAIKMGR[Tyr924Asn]EESFAAAGFG